The following is an entry in ClinVar:

NM_000245.4(MET):c.1185G>A (p.Glu395=)

Gene: MET (MET proto-oncogene, receptor tyrosine kinase; plus strand). Cytogenetic location: 7q31.2.
Variant type: single nucleotide variant.
Coding change: c.1185G>A on transcript NM_000245.4 (MANE Select); coding-DNA position 1185, G replaced by A.
Protein change: p.Glu395=; no amino-acid change (glutamic acid 395 retained).
Molecular consequence: synonymous variant. On other transcripts: intron variant (1).
Genome position (GRCh38, 1-based): chr7:116,700,269, G>A. VCF-style: chr7-116700269-G-A. GRCh37 (hg19) VCF-style: chr7-116340323-G-A.
Other names: c.1185G>A, p.Glu395= (NM_001127500.3, NM_001324401.3); c.-91+27692G>A (NM_001324402.2).
Identifiers: ClinVar variation 485745 (VCV000485745.15), dbSNP rs1369230650, ClinGen allele CA457448170.

ClinVar aggregate classification (germline): Benign/Likely benign. Review status: criteria provided, multiple submitters, no conflicts (2 of 4 stars). 3 submissions from 3 submitters: Benign (1); Likely benign (2). Last evaluated 2025-06-22.

Conditions:
Renal cell carcinoma. Identifiers: Orphanet 217071, MedGen C0007134, MeSH D002292, MONDO:0005086, HP:0005584.
Hereditary cancer-predisposing syndrome. Also called: Tumor predisposition; Hereditary Cancer Syndrome; Hereditary neoplastic syndrome; Neoplastic Syndromes, Hereditary. Identifiers: Orphanet 140162, MedGen C0027672, MeSH D009386, MONDO:0015356.
Papillary renal cell carcinoma type 1 (RCCP1). Also called: RENAL CELL CARCINOMA, PAPILLARY, 1, SOMATIC; Renal adenocarcinoma; Renal cell carcinoma 1; Renal cell carcinoma, somatic. Identifiers: Orphanet 47044, MedGen C1336839, OMIM 605074, HP:0011797.

Allele frequency attached by ClinVar (database versions not stated): gnomAD exomes below 0.00001; gnomAD 0.00001; TOPMed 0.00002.
gnomAD v4.1: 4 of 1,603,014 alleles (0.00025%); highest among the groups gnomAD compares: Non-Finnish European, 0.00034%; no homozygotes.

Submissions (3):

Labcorp Genetics (formerly Invitae), Labcorp
Classification: Likely benign for Renal cell carcinoma. Last evaluated: 2025-06-22. Review status: criteria provided, single submitter. Criteria: Invitae Variant Classification Sherloc (09022015). Collection method: clinical testing. Allele origin: germline.

Myriad Genetics, Inc.
Classification: Benign for Papillary renal cell carcinoma type 1. Last evaluated: 2024-11-07. Review status: criteria provided, single submitter. Criteria: Myriad Autosomal Dominant, Autosomal Recessive and X-Linked Classification Criteria (2023). Collection method: clinical testing. Allele origin: unknown.
Comment: This variant is considered benign. This variant is a silent/synonymous amino acid change and it is not expected to impact splicing.

Ambry Genetics
Classification: Likely benign for Hereditary cancer-predisposing syndrome. Last evaluated: 2016-02-19. Review status: criteria provided, single submitter. Criteria: Ambry Variant Classification Scheme 2023. Collection method: clinical testing. Allele origin: germline.